The following is an entry in ClinVar:

NM_001267550.2(TTN):c.38487C>T (p.Ala12829=)

Gene: TTN (titin; minus strand). Cytogenetic location: 2q31.2.
Variant type: single nucleotide variant.
Coding change: c.38487C>T on transcript NM_001267550.2 (MANE Select); coding-DNA position 38487, C replaced by T.
Protein change: p.Ala12829=; no amino-acid change (alanine 12829 retained).
Molecular consequence: synonymous variant. On other transcripts: intron variant (5).
Genome position (GRCh38, 1-based): chr2:178,653,875, G>A on the plus strand (C>T on the coding strand, the complement: TTN is on the minus strand). VCF-style: chr2-178653875-G-A. GRCh37 (hg19) VCF-style: chr2-179518602-G-A.
Other names: c.13283-11558C>T (NM_003319.4); c.13859-11558C>T (NM_133437.4); c.13658-11558C>T (NM_133432.3); c.31742-1334C>T (NM_133378.4); c.34523-1334C>T (NM_001256850.1).
Identifiers: ClinVar variation 698336 (VCV000698336.13), dbSNP rs758210075, ClinGen allele CA1997123.

ClinVar aggregate classification (germline): Likely benign. Review status: criteria provided, multiple submitters, no conflicts (2 of 4 stars). 3 submissions from 3 submitters: Likely benign (3). Last evaluated 2026-07-01.

Conditions:
Dilated cardiomyopathy 1G (CMD1G). Identifiers: Orphanet 154, MedGen C1858763, MONDO:0011400, OMIM 604145.
Autosomal recessive limb-girdle muscular dystrophy type 2J (LGMDR10). Also called: Limb-girdle muscular dystrophy, type 2J; MUSCULAR DYSTROPHY, LIMB-GIRDLE, AUTOSOMAL RECESSIVE 10. Identifiers: Orphanet 140922, MedGen C1837342, MONDO:0012127, OMIM 608807.

Allele frequency attached by ClinVar (database versions not stated): ExAC 0.00003; gnomAD 0.00006.

Submissions (3):

CeGaT Center for Human Genetics Tuebingen
Classification: Likely benign. Last evaluated: 2026-07-01. Review status: criteria provided, single submitter. Criteria: CeGaT Center For Human Genetics Tuebingen Variant Classification Criteria Version 2. Collection method: clinical testing. Allele origin: germline. Affected: yes. Observed: 1 variant allele.
Comment: TTN: BP4, BP7

Labcorp Genetics (formerly Invitae), Labcorp
Classification: Likely benign for Dilated cardiomyopathy 1G; Autosomal recessive limb-girdle muscular dystrophy type 2J. Last evaluated: 2022-07-26. Review status: criteria provided, single submitter. Criteria: Invitae Variant Classification Sherloc (09022015). Collection method: clinical testing. Allele origin: germline.

Blueprint Genetics
Classification: Likely benign. Last evaluated: 2018-11-06. Review status: criteria provided, single submitter. Criteria: ACMG Guidelines, 2015. Collection method: clinical testing. Allele origin: germline.